The following is an entry in ClinVar:

NM_018109.4(MTPAP):c.933G>A (p.Pro311=)

Gene: MTPAP (mitochondrial poly(A) polymerase; minus strand). Cytogenetic location: 10p11.23.
Variant type: single nucleotide variant.
Coding change: c.933G>A on transcript NM_018109.4 (MANE Select); coding-DNA position 933, G replaced by A.
Protein change: p.Pro311=; no amino-acid change (proline 311 retained).
Molecular consequence: synonymous variant.
Genome position (GRCh38, 1-based): chr10:30,326,483, C>T on the plus strand (G>A on the coding strand, the complement: MTPAP is on the minus strand). VCF-style: chr10-30326483-C-T. GRCh37 (hg19) VCF-style: chr10-30615412-C-T.
Identifiers: ClinVar variation 511275 (VCV000511275.5), dbSNP rs562617019, ClinGen allele CA5459074.

ClinVar aggregate classification (germline): Likely benign. Review status: criteria provided, multiple submitters, no conflicts (2 of 4 stars). 2 submissions from 2 submitters: Likely benign (2). Last evaluated 2025-03-17.

Allele frequency attached by ClinVar (database versions not stated): gnomAD 0.00002 and 0.00003; gnomAD exomes 0.00002 and 0.00003; TOPMed 0.00002; ExAC 0.00004.
gnomAD v4.1: 37 of 1,614,064 alleles (0.0023%); highest among the groups gnomAD compares: Middle Eastern, 0.016%; no homozygotes.

Submissions (2):

Labcorp Genetics (formerly Invitae), Labcorp
Classification: Likely benign. Last evaluated: 2025-03-17. Review status: criteria provided, single submitter. Criteria: Invitae Variant Classification Sherloc (09022015). Collection method: clinical testing. Allele origin: germline.

GeneDx
Classification: Likely benign. Last evaluated: 2017-08-11. Review status: criteria provided, single submitter. Criteria: GeneDx Variant Classification (06012015). Collection method: clinical testing. Allele origin: germline. Affected: yes.
Comment: This variant is considered likely benign or benign based on one or more of the following criteria: it is a conservative change, it occurs at a poorly conserved position in the protein, it is predicted to be benign by multiple in silico algorithms, and/or has population frequency not consistent with disease.